The following is an entry in ClinVar:

NM_000671.4(ADH5):c.832G>C (p.Ala278Pro)

Gene: ADH5 (alcohol dehydrogenase 5 (class III), chi polypeptide; minus strand). Cytogenetic location: 4q23.
Variant type: single nucleotide variant.
Coding change: c.832G>C on transcript NM_000671.4 (MANE Select); coding-DNA position 832, G replaced by C.
Protein change: p.Ala278Pro; replaces alanine 278 with proline.
Molecular consequence: missense variant.
Genome position (GRCh38, 1-based): chr4:99,075,043, C>G on the plus strand (G>C on the coding strand, the complement: ADH5 is on the minus strand). VCF-style: chr4-99075043-C-G. GRCh37 (hg19) VCF-style: chr4-99996194-C-G.
Other names: A278P.
Identifiers: ClinVar variation 995827 (VCV000995827.2), dbSNP rs754853545, ClinGen allele CA3018265.
Genomic context (GRCh38, chr4:99,075,043, plus strand): 5'-CTGAAGCAGCTACTCCAACCACGACGCTGACGCCCCAGCCCTTGTGACATGCCTCAAGTG[C>G]TGCTCTCTGCAGGCACAGAGATATGACCAAATCACAGAAGTCAGTGCATTTTCCTGAGAA-3'
Protein context (NP_000662.3, residues 268-288): CIGNVKVMRA[Ala278Pro]LEACHKGWGV

ClinVar aggregate classification (germline): Pathogenic. Review status: criteria provided, single submitter (1 of 4 stars). 2 submissions from 2 submitters: Pathogenic (1). 1 of the submissions does not count toward it. Last evaluated 2025-03-21.

Conditions:
AMED syndrome, digenic. Also called: ALDEHYDE DEGRADATION DEFICIENCY SYNDROME; BONE MARROW FAILURE SYNDROME 7, DIGENIC. Identifiers: Orphanet 611216, MedGen C5436906, MONDO:0030894, OMIM 619151.

Allele frequency attached by ClinVar (database versions not stated): gnomAD 0.00001; ExAC 0.00002; gnomAD exomes 0.00002.
gnomAD v4.1: 24 of 1,608,984 alleles (0.0015%); highest among the groups gnomAD compares: East Asian, 0.054%; no homozygotes.

Submissions (2):

3billion
Classification: Pathogenic for AMED syndrome, digenic. Last evaluated: 2025-03-21. Review status: criteria provided, single submitter. Criteria: ACMG Guidelines, 2015. Collection method: clinical testing. Allele origin: germline. Affected: yes.
Comment: The variant is observed at an extremely low frequency in the gnomAD v4.1.0 dataset (total allele frequency: 0.001%). Predicted Consequence/Location: Missense variant Functional studies provide strong evidence of the variant having a damaging effect on the gene or gene product (PMID: 33355142). The same nucleotide change resulting in the same amino acid change has been previously reported as pathogenic/likely pathogenic with strong evidence (ClinVar ID: VCV000995827 / PMID: 33355142, 33512438). The variant has been reported to be in trans with a pathogenic variant as either compound heterozygous or homozygous in at least one similarly affected unrelated individual (PMID: 33355142). Therefore, this variant is classified as Pathogenic according to the recommendation of ACMG/AMP guideline.

OMIM
Classification: Pathogenic for AMED SYNDROME, DIGENIC. Last evaluated: 2021-01-21. Review status: no assertion criteria provided. Collection method: literature only. Allele origin: germline. Not counted in ClinVar's aggregate classification.

Literature cited by the submitters: PubMed 33355142 (cited by 3billion and OMIM).